The following is an entry in ClinVar:

NM_001040092.3(ENPP2):c.1781-1341A>C

Gene: ENPP2 (ectonucleotide pyrophosphatase/phosphodiesterase 2; minus strand). Cytogenetic location: 8q24.12.
Variant type: single nucleotide variant.
Coding change: c.1781-1341A>C on transcript NM_001040092.3 (MANE Select); 1341 bases into the intron before coding-DNA position 1781, A replaced by C.
Molecular consequence: intron variant. On other transcripts: synonymous variant (2).
Genome position (GRCh38, 1-based): chr8:119,572,182, T>G on the plus strand (A>C on the coding strand, the complement: ENPP2 is on the minus strand). VCF-style: chr8-119572182-T-G. GRCh37 (hg19) VCF-style: chr8-120584422-T-G.
Other names: c.1849A>C, p.Arg617= (NM_001130863.3); c.1837A>C, p.Arg613= (NM_001330600.2); c.1937-1341A>C (NM_006209.5).
Identifiers: ClinVar variation 2658778 (VCV002658778.24), dbSNP rs998033471, ClinGen allele CA2695201524.

ClinVar aggregate classification (germline): Uncertain significance (1 of 4 stars; one submission).

Submission:

CeGaT Center for Human Genetics Tuebingen
Classification: Uncertain significance. Last evaluated: 2022-12-01. Review status: criteria provided, single submitter. Criteria: CeGaT Center For Human Genetics Tuebingen Variant Classification Criteria Version 2. Collection method: clinical testing. Allele origin: germline. Affected: yes. Observed: 1 variant allele.
Comment: ENPP2: PM2:Supporting